The following is an entry in ClinVar:

NM_001286445.3(RIPOR2):c.1476G>A (p.Ser492=)

Gene: RIPOR2 (RHO family interacting cell polarization regulator 2; minus strand). Cytogenetic location: 6p22.3.
Variant type: single nucleotide variant.
Coding change: c.1476G>A on transcript NM_001286445.3 (MANE Select); coding-DNA position 1476, G replaced by A.
Protein change: p.Ser492=; no amino-acid change (serine 492 retained).
Molecular consequence: synonymous variant.
Genome position (GRCh38, 1-based): chr6:24,843,243, C>T on the plus strand (G>A on the coding strand, the complement: RIPOR2 is on the minus strand). VCF-style: chr6-24843243-C-T. GRCh37 (hg19) VCF-style: chr6-24843471-C-T.
Other names: c.1539G>A (NM_014722.4); c.1491G>A, p.Ser497= (NM_001286446.3); c.1389G>A, p.Ser463= (NM_001286447.2, NM_001346031.2, NM_001346032.2 and 1 more transcripts); c.1539G>A, p.Ser513= (NM_014722.5).
Identifiers: ClinVar variation 2730401 (VCV002730401.5), dbSNP rs747182398, ClinGen allele CA3659245.
Genomic context (GRCh38, chr6:24,843,243, plus strand): 5'-AAGGAACAGGTGCTCAGCCCCAGCACCTGAGGACTGTCGGCGGCAAGCCTCAGATGGGGC[C>T]GAGGCAGGTTTTCTGGGCTCCTCTGGGTCTTCCTCCTTCAGGTGTGACTTTGGCTCTTGG-3'
Protein context (NP_001273374.1, residues 482-502): EDPEEPRKPA[Ser492=]APSEACRRQS

ClinVar aggregate classification (germline): Likely benign. Review status: criteria provided, multiple submitters, no conflicts (2 of 4 stars). 3 submissions from 3 submitters: Likely benign (3). Last evaluated 2026-01-03.

Conditions:
RIPOR2-related disorder. Also called: RIPOR2-related condition.

Allele frequency attached by ClinVar (database versions not stated): ExAC 0.00002; gnomAD exomes 0.00002; gnomAD 0.00003; TOPMed 0.00005.
gnomAD v4.1: 36 of 1,613,976 alleles (0.0022%); highest among the groups gnomAD compares: Middle Eastern, 0.033%; no homozygotes.

Submissions (3):

PreventionGenetics, part of Exact Sciences
Classification: Likely benign for RIPOR2-related condition. Last evaluated: 2026-01-03. Review status: criteria provided, single submitter. Criteria: ACMG Guidelines, 2015. Collection method: clinical testing. Allele origin: germline.
Comment: This variant is classified as likely benign based on ACMG/AMP sequence variant interpretation guidelines (Richards et al. 2015 PMID: 25741868, with internal and published modifications).

Labcorp Genetics (formerly Invitae), Labcorp
Classification: Likely benign. Last evaluated: 2024-02-20. Review status: criteria provided, single submitter. Criteria: Invitae Variant Classification Sherloc (09022015). Collection method: clinical testing. Allele origin: germline.

Breakthrough Genomics
Classification: Likely benign. Review status: criteria provided, single submitter. Criteria: ACMG Guidelines, 2015. Collection method: not provided. Allele origin: germline. Inheritance: Autosomal recessive inheritance. Affected: yes.